The following is an entry in ClinVar:

NM_007357.3(COG2):c.1284G>T (p.Arg428Ser)

Gene: COG2 (component of oligomeric golgi complex 2; plus strand). Cytogenetic location: 1q42.2.
Variant type: single nucleotide variant.
Coding change: c.1284G>T on transcript NM_007357.3 (MANE Select); coding-DNA position 1284, G replaced by T.
Protein change: p.Arg428Ser; replaces arginine 428 with serine.
Molecular consequence: missense variant.
Genome position (GRCh38, 1-based): chr1:230,685,140, G>T. VCF-style: chr1-230685140-G-T. GRCh37 (hg19) VCF-style: chr1-230820886-G-T.
Other names: c.1284G>T, p.Arg428Ser (NM_001145036.2); short protein forms R428S.
Identifiers: ClinVar variation 1017465 (VCV001017465.5), dbSNP rs1194562705, ClinGen allele CA345207837.
Genomic context (GRCh38, chr1:230,685,140, plus strand): 5'-TCTAGCTGAAAGTCCGTATTGCCTTTTGGCTTCTCATAGAACTTGGAGCAGCCTTAGGAG[G>T]TGTTGGTCAGATGAGATGTTCTTGCCATTACTGGTGCATCGCCTGTGGAGACTCACTCTG-3'
Protein context (NP_031383.1, residues 418-438): ASHRTWSSLR[Arg428Ser]CWSDEMFLPL

ClinVar aggregate classification (germline): Uncertain significance (1 of 4 stars; one submission).

Conditions:
Congenital disorder of glycosylation, type IIq. Also called: CDG IIq. Identifiers: Orphanet 435934, MedGen C4479353, MONDO:0054559, OMIM 617395.

gnomAD v4.1: 1 of 1,614,176 alleles (0.000062%); no homozygotes.

Submission:

Labcorp Genetics (formerly Invitae), Labcorp
Classification: Uncertain significance for Congenital disorder of glycosylation, type IIq. Last evaluated: 2022-06-13. Review status: criteria provided, single submitter. Criteria: Invitae Variant Classification Sherloc (09022015). Collection method: clinical testing. Allele origin: germline.
Comment: This variant has not been reported in the literature in individuals affected with COG2-related conditions. ClinVar contains an entry for this variant (Variation ID: 1017465). Algorithms developed to predict the effect of missense changes on protein structure and function (SIFT, PolyPhen-2, Align-GVGD) all suggest that this variant is likely to be tolerated. In summary, the available evidence is currently insufficient to determine the role of this variant in disease. Therefore, it has been classified as a Variant of Uncertain Significance. This variant is not present in population databases (gnomAD no frequency). This sequence change replaces arginine, which is basic and polar, with serine, which is neutral and polar, at codon 428 of the COG2 protein (p.Arg428Ser).